The following is an entry in ClinVar:

NM_014233.4(UBTF):c.1198G>T (p.Gly400Cys)

Genes: ATXN7L3-AS1 (ATXN7L3 antisense RNA 1; plus strand), UBTF (upstream binding transcription factor; minus strand), LOC121587595 (Sharpr-MPRA regulatory region 7848; plus strand). Cytogenetic location: 17q21.31.
Variant type: single nucleotide variant.
Coding change: c.1198G>T on transcript NM_014233.4 (MANE Select); coding-DNA position 1198, G replaced by T.
Protein change: p.Gly400Cys; replaces glycine 400 with cysteine.
Molecular consequence: missense variant. On other transcripts: non-coding transcript variant (1).
Genome position (GRCh38, 1-based): chr17:44,211,044, C>A on the plus strand (G>T on the coding strand, the complement: UBTF is on the minus strand). VCF-style: chr17-44211044-C-A. GRCh37 (hg19) VCF-style: chr17-42288412-C-A.
Other names: c.1087G>T, p.Gly363Cys (NM_001076683.2, NM_001076684.3); short protein forms G363C, G400C.
Identifiers: ClinVar variation 3365211 (VCV003365211.1).

ClinVar aggregate classification (germline): Uncertain significance (1 of 4 stars; one submission).

Submission:

GeneDx
Classification: Uncertain significance. Last evaluated: 2023-12-03. Review status: criteria provided, single submitter. Criteria: GeneDx Variant Classification Process June 2021. Collection method: clinical testing. Allele origin: germline. Affected: yes.
Comment: Not observed at significant frequency in large population cohorts (gnomAD); In silico analysis supports that this missense variant does not alter protein structure/function; Has not been previously published as pathogenic or benign to our knowledge